The following is an entry in ClinVar:

ClinVar aggregate classification (germline): Uncertain significance (1 of 4 stars; one submission).

Submission:

Labcorp Genetics (formerly Invitae), Labcorp
Classification: Uncertain significance. Last evaluated: 2020-01-14. Review status: criteria provided, single submitter. Criteria: Invitae Variant Classification Sherloc (09022015). Collection method: clinical testing. Allele origin: germline.
Comment: In summary, the available evidence is currently insufficient to determine the role of this variant in disease. Therefore, it has been classified as a Variant of Uncertain Significance. Algorithms developed to predict the effect of missense changes on protein structure and function are either unavailable or do not agree on the potential impact of this missense change (SIFT: "Tolerated"; PolyPhen-2: "Possibly Damaging"; Align-GVGD: "Class C0"). This variant has not been reported in the literature in individuals with RECQL-related conditions. This variant is not present in population databases (ExAC no frequency). This sequence change replaces phenylalanine with isoleucine at codon 277 of the RECQL protein (p.Phe277Ile). The phenylalanine residue is highly conserved and there is a small physicochemical difference between phenylalanine and isoleucine.

NM_002907.4(RECQL):c.829T>A (p.Phe277Ile)

Gene: RECQL (RecQ like helicase; minus strand). Cytogenetic location: 12p12.1.
Variant type: single nucleotide variant.
Coding change: c.829T>A on transcript NM_002907.4 (MANE Select); coding-DNA position 829, T replaced by A.
Protein change: p.Phe277Ile; replaces phenylalanine 277 with isoleucine.
Molecular consequence: missense variant.
Genome position (GRCh38, 1-based): chr12:21,477,841, A>T on the plus strand (T>A on the coding strand, the complement: RECQL is on the minus strand). VCF-style: chr12-21477841-A-T. GRCh37 (hg19) VCF-style: chr12-21630775-A-T.
Other names: c.829T>A, p.Phe277Ile (NM_032941.3); short protein forms F277I.
Identifiers: ClinVar variation 998980 (VCV000998980.9), dbSNP rs976563645, ClinGen allele CA384124192.